The following is an entry in ClinVar:

NM_004177.5(STX3):c.155A>G (p.His52Arg)

Gene: STX3 (syntaxin 3; plus strand). Cytogenetic location: 11q12.1.
Variant type: single nucleotide variant.
Coding change: c.155A>G on transcript NM_004177.5 (MANE Select); coding-DNA position 155, A replaced by G.
Protein change: p.His52Arg; replaces histidine 52 with arginine.
Molecular consequence: missense variant.
Genome position (GRCh38, 1-based): chr11:59,787,077, A>G. VCF-style: chr11-59787077-A-G. GRCh37 (hg19) VCF-style: chr11-59554550-A-G.
Other names: c.155A>G, p.His52Arg (NM_001178040.3); short protein forms H52R.
Identifiers: ClinVar variation 2164590 (VCV002164590.4), dbSNP rs1230943650, ClinGen allele CA380795434.

ClinVar aggregate classification (germline): Uncertain significance. Review status: criteria provided, multiple submitters, no conflicts (2 of 4 stars). 2 submissions from 2 submitters: Uncertain significance (2). Last evaluated 2022-11-18.

Conditions:
Inborn genetic diseases. Identifiers: MedGen C0950123, MeSH D030342.

Allele frequency attached by ClinVar (database versions not stated): gnomAD exomes 0.00002; TOPMed 0.00002; gnomAD 0.00004.
gnomAD v4.1: 37 of 1,614,068 alleles (0.0023%); highest among the groups gnomAD compares: African/African-American, 0.0027%; no homozygotes.

Submissions (2):

Ambry Genetics
Classification: Uncertain significance for Inborn genetic diseases. Last evaluated: 2022-11-18. Review status: criteria provided, single submitter. Criteria: Ambry Variant Classification Scheme 2023. Collection method: clinical testing. Allele origin: germline.

Labcorp Genetics (formerly Invitae), Labcorp
Classification: Uncertain significance. Last evaluated: 2022-09-12. Review status: criteria provided, single submitter. Criteria: Invitae Variant Classification Sherloc (09022015). Collection method: clinical testing. Allele origin: germline.
Comment: This sequence change replaces histidine, which is basic and polar, with arginine, which is basic and polar, at codon 52 of the STX3 protein (p.His52Arg). This variant is not present in population databases (gnomAD no frequency). This variant has not been reported in the literature in individuals affected with STX3-related conditions. Algorithms developed to predict the effect of missense changes on protein structure and function (SIFT, PolyPhen-2, Align-GVGD) all suggest that this variant is likely to be tolerated. In summary, the available evidence is currently insufficient to determine the role of this variant in disease. Therefore, it has been classified as a Variant of Uncertain Significance.